The following is an entry in ClinVar:

ClinVar aggregate classification (germline): Uncertain significance (1 of 4 stars; one submission).

Conditions:
Progressive microcephaly-seizures-cortical blindness-developmental delay syndrome. Also called: Seizures, cortical blindness, and microcephaly syndrome. Identifiers: Orphanet 477814, MedGen C5567650, MONDO:0014714, OMIM 616632.
Autosomal dominant nonsyndromic hearing loss 1. Also called: KONIGSMARK SYNDROME; DEAFNESS, AUTOSOMAL DOMINANT 1, WITH OR WITHOUT THROMBOCYTOPENIA. Identifiers: Orphanet 90635, MedGen C1852282, MONDO:0007424, OMIM 124900.

Allele frequency attached by ClinVar (database versions not stated): gnomAD exomes below 0.00001; TOPMed below 0.00001; gnomAD 0.00001.
gnomAD v4.1: 2 of 1,595,112 alleles (0.00013%); highest among the groups gnomAD compares: Non-Finnish European, 0.00017%; no homozygotes.

Submission:

Labcorp Genetics (formerly Invitae), Labcorp
Classification: Uncertain significance for Progressive microcephaly-seizures-cortical blindness-developmental delay syndrome; Autosomal dominant nonsyndromic hearing loss 1. Last evaluated: 2023-09-23. Review status: criteria provided, single submitter. Criteria: Invitae Variant Classification Sherloc (09022015). Collection method: clinical testing. Allele origin: germline.
Comment: This variant has not been reported in the literature in individuals affected with DIAPH1-related conditions. An algorithm developed to predict the effect of missense changes on protein structure and function (PolyPhen-2) suggests that this variant is likely to be disruptive. Algorithms developed to predict the effect of sequence changes on RNA splicing suggest that this variant may disrupt the consensus splice site. In summary, the available evidence is currently insufficient to determine the role of this variant in disease. Therefore, it has been classified as a Variant of Uncertain Significance. This variant is not present in population databases (gnomAD no frequency). This sequence change replaces aspartic acid, which is acidic and polar, with glutamic acid, which is acidic and polar, at codon 1084 of the DIAPH1 protein (p.Asp1084Glu).

NM_005219.5(DIAPH1):c.3252C>G (p.Asp1084Glu)

Gene: DIAPH1 (diaphanous related formin 1; minus strand). Cytogenetic location: 5q31.3.
Variant type: single nucleotide variant.
Coding change: c.3252C>G on transcript NM_005219.5 (MANE Select); coding-DNA position 3252, C replaced by G.
Protein change: p.Asp1084Glu; replaces aspartic acid 1084 with glutamic acid.
Molecular consequence: missense variant.
Genome position (GRCh38, 1-based): chr5:141,527,594, G>C on the plus strand (C>G on the coding strand, the complement: DIAPH1 is on the minus strand). VCF-style: chr5-141527594-G-C. GRCh37 (hg19) VCF-style: chr5-140907161-G-C.
Other names: c.3225C>G, p.Asp1075Glu (NM_001079812.3); c.3252C>G, p.Asp1084Glu (NM_001314007.2); short protein forms D1084E, D1075E.
Identifiers: ClinVar variation 2935464 (VCV002935464.3), dbSNP rs1301019763, ClinGen allele CA361580850.
Genomic context (GRCh38, chr5:141,527,594, plus strand): 5'-CTTCCTAGGGAACAACTCCCTCCTTTCAAGAGAGGATATGGTCATTTTTTCAACAAACTT[G>C]TCTTTTTCATCTGTGGCAGCTGGGAAATTCTGAACATCACGTTCCACATCAGAAATTTGT-3'
Protein context (NP_005210.3, residues 1074-1094): QNFPAATDEK[Asp1084Glu]KFVEKMTSFV